The following is an entry in ClinVar:

ClinVar aggregate classification (germline): Uncertain significance. Review status: criteria provided, single submitter (1 of 4 stars). 2 submissions from 2 submitters: Uncertain significance (1). 1 of the submissions does not count toward it. Last evaluated 2024-01-08.

Conditions:
FOXC1-related disorder. Also called: FOXC1-related condition.
Axenfeld-Rieger syndrome type 3 (RIEG3). Also called: AXENFELD-RIEGER ANOMALY WITH CARDIAC DEFECTS AND/OR SENSORINEURAL HEARING LOSS. Identifiers: Orphanet 782, MedGen C2678503, MONDO:0011233, OMIM 602482.
Anterior segment dysgenesis 3 (ASGD3). Also called: Glaucoma iridogoniodysplasia, familial; IRIDOGONIODYSGENESIS ANOMALY, AUTOSOMAL DOMINANT. Identifiers: Orphanet 91483, MedGen C5975707, MONDO:0024456, OMIM 601631.

Submissions (2):

Fulgent Genetics
Classification: Uncertain significance for Anterior segment dysgenesis 3; Axenfeld-Rieger syndrome type 3. Last evaluated: 2024-01-08. Review status: criteria provided, single submitter. Criteria: ACMG Guidelines, 2015. Collection method: clinical testing. Allele origin: germline.

PreventionGenetics, part of Exact Sciences
Classification: Uncertain significance for FOXC1-related condition. Last evaluated: 2023-11-19. Review status: no assertion criteria provided. Collection method: clinical testing. Allele origin: germline. Not counted in ClinVar's aggregate classification.
Comment: The FOXC1 c.1495G>A variant is predicted to result in the amino acid substitution p.Gly499Ser. To our knowledge, this variant has not been reported in the literature or in a large population database, indicating this variant is rare. At this time, the clinical significance of this variant is uncertain due to the absence of conclusive functional and genetic evidence.

NM_001453.3(FOXC1):c.1495G>A (p.Gly499Ser)

Gene: FOXC1 (forkhead box C1; plus strand). Cytogenetic location: 6p25.3.
Variant type: single nucleotide variant.
Coding change: c.1495G>A on transcript NM_001453.3 (MANE Select); coding-DNA position 1495, G replaced by A.
Protein change: p.Gly499Ser; replaces glycine 499 with serine.
Molecular consequence: missense variant.
Genome position (GRCh38, 1-based): chr6:1,611,940, G>A. VCF-style: chr6-1611940-G-A. GRCh37 (hg19) VCF-style: chr6-1612175-G-A.
Other names: short protein forms G499S.
Identifiers: ClinVar variation 3031777 (VCV003031777.3), dbSNP rs768429087, ClinGen allele CA3614908.